The following is an entry in ClinVar:

ClinVar aggregate classification (germline): Pathogenic. Review status: reviewed by expert panel (3 of 4 stars). 12 submissions from 12 submitters: Pathogenic (1). 11 of the submissions do not count toward it. Last evaluated 2016-09-08.

Conditions:
Hereditary cancer-predisposing syndrome. Also called: Tumor predisposition; Neoplastic Syndromes, Hereditary; Hereditary Cancer Syndrome; Hereditary neoplastic syndrome. Identifiers: Orphanet 140162, MedGen C0027672, MeSH D009386, MONDO:0015356.
Hereditary breast ovarian cancer syndrome. Also called: Hereditary breast and ovarian cancer syndrome (HBOC); Hereditary breast and ovarian cancer syndrome; Hereditary breast and ovarian cancer; Hereditary breast and/or ovarian cancer syndrome; Breast and ovarian cancer; BRCA1- and BRCA2-Associated Hereditary Breast and Ovarian Cancer. Identifiers: Orphanet 145, MedGen C0677776, MeSH D061325, MONDO:0003582. Disease mechanism: loss of function.
Breast-ovarian cancer, familial, susceptibility to, 1 (BROVCA1). Also called: OVARIAN CANCER, SUSCEPTIBILITY TO; BRCA1 Hereditary Breast and Ovarian Cancer. Identifiers: Orphanet 145, MedGen C2676676, MONDO:0011450, OMIM 604370. Disease mechanism: loss of function.

Submissions (12):

Evidence-based Network for the Interpretation of Germline Mutant Alleles (ENIGMA)
Classification: Pathogenic for Breast-ovarian cancer, familial, susceptibility to, 1. Last evaluated: 2016-09-08. Review status: reviewed by expert panel. Criteria: ENIGMA BRCA1/2 Classification Criteria (2015). Collection method: curation. Allele origin: germline.
Comment: Variant allele predicted to encode a truncated non-functional protein.

Labcorp Genetics (formerly Invitae), Labcorp
Classification: Pathogenic for Hereditary breast ovarian cancer syndrome. Last evaluated: 2025-07-16. Review status: criteria provided, single submitter. Criteria: Invitae Variant Classification Sherloc (09022015). Collection method: clinical testing. Allele origin: germline. Not counted in ClinVar's aggregate classification.
Comment: This sequence change creates a premature translational stop signal (p.Thr464Profs*11) in the BRCA1 gene. It is expected to result in an absent or disrupted protein product. Loss-of-function variants in BRCA1 are known to be pathogenic (PMID: 20104584). This variant is not present in population databases (gnomAD no frequency). This premature translational stop signal has been observed in individual(s) with breast cancer (PMID: 16912212, 18284688, 18752448, 22010008). This variant is also known as 1505delG. ClinVar contains an entry for this variant (Variation ID: 54232). For these reasons, this variant has been classified as Pathogenic.

Ambry Genetics
Classification: Pathogenic for Hereditary cancer-predisposing syndrome. Last evaluated: 2023-10-16. Review status: criteria provided, single submitter. Criteria: Ambry Variant Classification Scheme 2023. Collection method: clinical testing. Allele origin: germline. Not counted in ClinVar's aggregate classification.
Comment: The c.1386delG pathogenic mutation, located in coding exon 9 of the BRCA1 gene, results from a deletion of one nucleotide at nucleotide position 1386, causing a translational frameshift with a predicted alternate stop codon (p.T464Pfs*11). This alteration has been reported in multiple studies of women with breast cancer (Malone KE et al. Cancer Res. 2006 Aug;66:8297-308; Lee E et al. Breast Cancer Res. 2008 Feb;10:R19; Pal T et al. Genet. Test. 2008 Sep;12:401-7). Of note, this alteration is also designated as 1505del and 1505delG in the published literature. This variant is considered to be rare based on population cohorts in the Genome Aggregation Database (gnomAD). In addition to the clinical data presented in the literature, this alteration is expected to result in loss of function by premature protein truncation or nonsense-mediated mRNA decay. As such, this alteration is interpreted as a disease-causing mutation.

GeneDx
Classification: Pathogenic. Last evaluated: 2023-05-05. Review status: criteria provided, single submitter. Criteria: GeneDx Variant Classification Process June 2021. Collection method: clinical testing. Allele origin: germline. Affected: yes. Not counted in ClinVar's aggregate classification.
Comment: Identified in individuals with BRCA1-related cancer (Malone et al., 2006; Pal et al., 2008; Lee et al., 2011); Frameshift variant predicted to result in protein truncation or nonsense mediated decay in a gene for which loss of function is a known mechanism of disease; Not observed at significant frequency in large population cohorts (gnomAD); Truncating variants in this gene are considered pathogenic by a well-established clinical consortium and/or database; Also known as 1505del; This variant is associated with the following publications: (PMID: 22010008, 8807330, 18752448, 16912212, 18284688)

Baylor Genetics
Classification: Pathogenic for Breast-ovarian cancer, familial, susceptibility to, 1. Last evaluated: 2022-06-02. Review status: criteria provided, single submitter. Criteria: ACMG Guidelines, 2015. Collection method: clinical testing. Allele origin: unknown. Not counted in ClinVar's aggregate classification.

Women's Health and Genetics/Laboratory Corporation of America, LabCorp
Classification: Pathogenic for Hereditary breast ovarian cancer syndrome. Last evaluated: 2016-10-18. Review status: criteria provided, single submitter. Criteria: LabCorp Variant Classification Summary - May 2015. Collection method: clinical testing. Allele origin: germline. Not counted in ClinVar's aggregate classification.
Comment: Variant summary: The BRCA1 c.1386delG (p.Thr464Profs) variant results in a premature termination codon, predicted to cause a truncated or absent BRCA1 protein due to nonsense mediated decay, which are commonly known mechanisms for disease. The variant of interest was not observed in controls (ExAC, 1000 Gs, or ESP), and has been reported in multiple affected individuals via publications. In addition, multiple databases/clinical diagnostic laboratories cite the variant as "pathogenic." Therefore, the variant of interest has been classified as Pathogenic.

Consortium of Investigators of Modifiers of BRCA1/2 (CIMBA), c/o University of Cambridge
Classification: Pathogenic for Breast-ovarian cancer, familial, susceptibility to, 1. Last evaluated: 2015-10-02. Review status: criteria provided, single submitter. Criteria: CIMBA Mutation Classification guidelines May 2016. Collection method: clinical testing. Allele origin: germline. Not counted in ClinVar's aggregate classification.

Quest Diagnostics Nichols Institute San Juan Capistrano
Classification: Pathogenic for Breast-ovarian cancer, familial, susceptibility to, 1. Last evaluated: 2015-08-13. Review status: criteria provided, single submitter. Criteria: Quest Diagnostics criteria. Collection method: clinical testing. Allele origin: germline. Inheritance: Autosomal dominant inheritance. Not counted in ClinVar's aggregate classification.

Counsyl
Classification: Pathogenic for Breast-ovarian cancer, familial, susceptibility to, 1. Last evaluated: 2016-01-27. Review status: no assertion criteria provided. Collection method: clinical testing. Allele origin: unknown. Not counted in ClinVar's aggregate classification.

Research Molecular Genetics Laboratory, Women's College Hospital, University of Toronto
Classification: Pathogenic for Hereditary breast ovarian cancer syndrome. Last evaluated: 2014-01-31. Review status: no assertion criteria provided. Collection method: research. Allele origin: germline. Affected: yes. Study: The Canadian Open Genetics Repository (COGR). Not counted in ClinVar's aggregate classification.

Sharing Clinical Reports Project (SCRP)
Classification: Pathogenic for Breast-ovarian cancer, familial 1. Last evaluated: 2008-04-14. Review status: no assertion criteria provided. Collection method: clinical testing. Allele origin: germline. Not counted in ClinVar's aggregate classification.

Breast Cancer Information Core (BIC) (BRCA1)
Classification: Pathogenic for Breast-ovarian cancer, familial 1. Last evaluated: 2004-02-20. Review status: no assertion criteria provided. Collection method: clinical testing. Allele origin: germline. Affected: yes. Observed: 2 variant alleles. Not counted in ClinVar's aggregate classification.

Literature cited by the submitters: PubMed 20104584 (cited by Labcorp Genetics (formerly Invitae), Labcorp); PubMed 16912212 (cited by 3 submitters); PubMed 18284688 (cited by 3 submitters); PubMed 18752448 (cited by Labcorp Genetics (formerly Invitae), Labcorp and Ambry Genetics); PubMed 22010008 (cited by Labcorp Genetics (formerly Invitae), Labcorp and Women's Health and Genetics/Laboratory Corporation of America, LabCorp); PubMed 26295337 (cited by Quest Diagnostics Nichols Institute San Juan Capistrano).

NM_007294.4(BRCA1):c.1386del (p.Thr464fs)

Gene: BRCA1 (BRCA1 DNA repair associated; minus strand). Cytogenetic location: 17q21.31.
Variant type: Deletion.
Coding change: c.1386del on transcript NM_007294.4 (MANE Select); coding-DNA position 1386, one base deleted (G; older notation c.1386delG).
Protein change: p.Thr464fs; shifts the reading frame from threonine 464.
Molecular consequence: frameshift variant. On other transcripts: intron variant (137).
Genome position (GRCh38, 1-based): chr17:43,094,145, C deleted on the plus strand (G on the coding strand, the reverse complement: BRCA1 is on the minus strand); the first of 3 consecutive C bases (chr17:43,094,145-43,094,147); deleting any one gives the same sequence. VCF-style (leftmost placement, unchanged base first): chr17-43094144-TC-T. GRCh37 (hg19) VCF-style: chr17-41246161-TC-T.
Other names: 1505delG; c.1386delG (NM_007294.3); c.586+599del (NM_001408474.1, NM_001408476.1); c.709+599del (NM_001408409.1, NM_001408414.1, NM_001408411.1 and 2 more transcripts); c.574+599del (NM_001408493.1, NM_001408490.1, NM_001408491.1); c.454+599del (NM_001408502.1); c.577+599del (NM_001408489.1, NM_001408479.1, NM_001408482.1 and 9 more transcripts); c.661+599del (NM_001408445.1, NM_001408432.1, NM_001408450.1 and 6 more transcripts); and 42 more; short protein forms T417fs, T464fs, T168fs, T375fs, T393fs, T396fs, T422fs, T423fs.
Identifiers: ClinVar variation 54232 (VCV000054232.24), dbSNP rs80357722, ClinGen allele CA000923.